The following is an entry in ClinVar:

NM_001382567.1(STIM1):c.1765C>T (p.Arg589Trp)

Gene: STIM1 (stromal interaction molecule 1; plus strand). Cytogenetic location: 11p15.4.
Variant type: single nucleotide variant.
Coding change: c.1765C>T on transcript NM_001382567.1 (MANE Select); coding-DNA position 1765, C replaced by T.
Protein change: p.Arg589Trp; replaces arginine 589 with tryptophan.
Molecular consequence: missense variant. On other transcripts: 3 prime UTR variant (4), non-coding transcript variant (3).
Genome position (GRCh38, 1-based): chr11:4,091,412, C>T. VCF-style: chr11-4091412-C-T. GRCh37 (hg19) VCF-style: chr11-4112642-C-T.
Other names: c.1990C>T, p.Arg664Trp (NM_001277961.3); c.*86C>T (NM_001277962.2, NM_001382578.1, NM_001382579.1 and 1 more transcripts); c.1768C>T, p.Arg590Trp (NM_001382566.1); c.1693C>T, p.Arg565Trp (NM_001382568.1); c.1537C>T, p.Arg513Trp (NM_001382569.1); c.1444C>T, p.Arg482Trp (NM_001382570.1); c.1192C>T, p.Arg398Trp (NM_001382571.1); c.1450C>T, p.Arg484Trp (NM_001382575.1, NM_001382576.1, NM_001382577.1); and 2 more; short protein forms R558W, R664W, R395W, R398W, R482W, R484W, R513W, R565W.
Identifiers: ClinVar variation 452077 (VCV000452077.15), dbSNP rs747547917, ClinGen allele CA5830608.

ClinVar aggregate classification (germline): Uncertain significance. Review status: criteria provided, multiple submitters, no conflicts (2 of 4 stars). 3 submissions from 3 submitters: Uncertain significance (3). Last evaluated 2025-06-22.

Conditions:
Combined immunodeficiency due to STIM1 deficiency. Also called: STIM1 DEFICIENCY; IMMUNODEFICIENCY 10. Identifiers: Orphanet 169090, Orphanet 317430, MedGen C2748557, MONDO:0013008, OMIM 612783.
Myopathy with tubular aggregates (TAM). Also called: Tubular Aggregate Myopathy. Identifiers: Orphanet 2593, MedGen C0410207, MONDO:0008051.
Stormorken syndrome (STRMK). Also called: THROMBOCYTOPATHY, ASPLENIA, AND MIOSIS. Identifiers: Orphanet 3204, MedGen C1861451, MONDO:0008497, OMIM 185070.

Allele frequency attached by ClinVar (database versions not stated): TOPMed 0.00002; gnomAD exomes 0.00003 and 0.00004; ExAC 0.00004; gnomAD 0.00005.
gnomAD v4.1: 60 of 1,614,212 alleles (0.0037%); highest among the groups gnomAD compares: Non-Finnish European, 0.0032%; no homozygotes.

Submissions (3):

Labcorp Genetics (formerly Invitae), Labcorp
Classification: Uncertain significance for Myopathy with tubular aggregates; Combined immunodeficiency due to STIM1 deficiency; Stormorken syndrome. Last evaluated: 2025-06-22. Review status: criteria provided, single submitter. Criteria: Invitae Variant Classification Sherloc (09022015). Collection method: clinical testing. Allele origin: germline.
Comment: This sequence change replaces arginine, which is basic and polar, with tryptophan, which is neutral and slightly polar, at codon 558 of the STIM1 protein (p.Arg558Trp). This variant is present in population databases (rs747547917, gnomAD 0.03%). This variant has not been reported in the literature in individuals affected with STIM1-related conditions. ClinVar contains an entry for this variant (Variation ID: 452077). Invitae Evidence Modeling of protein sequence and biophysical properties (such as structural, functional, and spatial information, amino acid conservation, physicochemical variation, residue mobility, and thermodynamic stability) has been performed for this missense variant. However, the output from this modeling did not meet the statistical confidence thresholds required to predict the impact of this variant on STIM1 protein function. In summary, the available evidence is currently insufficient to determine the role of this variant in disease. Therefore, it has been classified as a Variant of Uncertain Significance.

GeneDx
Classification: Uncertain significance. Last evaluated: 2025-05-13. Review status: criteria provided, single submitter. Criteria: GeneDx Variant Classification Process June 2021. Collection method: clinical testing. Allele origin: germline. Affected: yes.
Comment: Reported previously as a de novo variant in a patient from a cohort of autism cases; however, no further clinical information was provided and the patient harbored another de novo variant in a separate gene (PMID: 35982160, 35982159); In silico analysis supports that this missense variant has a deleterious effect on protein structure/function; This variant is associated with the following publications: (PMID: 35982160, 35982159)

Blueprint Genetics
Classification: Uncertain significance. Last evaluated: 2024-05-13. Review status: criteria provided, single submitter. Criteria: ACMG Guidelines, 2015. Collection method: clinical testing. Allele origin: germline.